The following is an entry in ClinVar:

ClinVar aggregate classification (germline): Likely pathogenic (3 of 4 stars; one submission).

Conditions:
Bernard Soulier syndrome (BSS). Also called: GLYCOPROTEIN Ib, PLATELET, DEFICIENCY OF; PLATELET GLYCOPROTEIN Ib DEFICIENCY; VON WILLEBRAND FACTOR RECEPTOR DEFICIENCY; Giant platelet syndrome; Hemorrhagiparous thrombocytic dystrophy; Giant platelet disease. Identifiers: Orphanet 274, MedGen C0005129, MeSH D001606, MONDO:0009276, OMIM 231200.

Submission:

ClinGen Platelet Disorders Variant Curation Expert Panel, ClinGen
Classification: Likely pathogenic for Bernard Soulier syndrome. Last evaluated: 2025-05-01. Review status: reviewed by expert panel. Criteria: ClinGen Platelet ACMG Specifications GP1BA V1.0.0. Collection method: curation. Allele origin: germline. Inheritance: Autosomal recessive inheritance.
Comment: The c.800C>G (p.Ser267Ter) variant in GP1BA is a nonsense variant that may cause loss of function of the protein, however it is predicted to escape nonsense mediated decay and remove >10% of the protein (PVS1_Strong). At least one patient (Patient 3 in PMID: 26044173) with this variant had aggregation absent for ristocetin and present for all other agonists and less than 10% expression of GPIba measured by flow cytometry, which is highly specific for Bernard-Soulier syndrome. Additionally, the patient had excessive mucocutaneous bleeding and macrothrombocytopenia which are consistent with Bernard-Soulier syndrome (PP4). This variant is absent from gnomAD v4.1.0 (PM2_Supporting). In summary, this variant meets the criteria to be classified as Likely Pathogenic for autosomal recessive Bernard-Soulier syndrome based on the ACMG/AMP criteria applied, as specified by the ClinGen PD VCEP: PVS1_Strong, PP1_Moderate, PP4, PM2_Supporting and PM3_Supporting (VCEP specifications version 1.0.0).

NM_000173.7(GP1BA):c.800C>G (p.Ser267Ter)

Gene: GP1BA (glycoprotein Ib platelet subunit alpha; plus strand). Cytogenetic location: 17p13.2.
Variant type: single nucleotide variant.
Coding change: c.800C>G on transcript NM_000173.7 (MANE Select); coding-DNA position 800, C replaced by G.
Protein change: p.Ser267Ter; replaces serine 267 with a stop codon.
Molecular consequence: nonsense.
Genome position (GRCh38, 1-based): chr17:4,933,404, C>G. VCF-style: chr17-4933404-C-G. GRCh37 (hg19) VCF-style: chr17-4836699-C-G.
Other names: NM_000173.7:c.800C>G; short protein forms S267*.
Identifiers: ClinVar variation 4087790 (VCV004087790.1).